The following is an entry in ClinVar:

NM_004958.4(MTOR):c.1543C>G (p.Pro515Ala)

Gene: MTOR (mechanistic target of rapamycin kinase; minus strand). Cytogenetic location: 1p36.22.
Variant type: single nucleotide variant.
Coding change: c.1543C>G on transcript NM_004958.4 (MANE Select); coding-DNA position 1543, C replaced by G.
Protein change: p.Pro515Ala; replaces proline 515 with alanine.
Molecular consequence: missense variant.
Genome position (GRCh38, 1-based): chr1:11,240,546, G>C on the plus strand (C>G on the coding strand, the complement: MTOR is on the minus strand). VCF-style: chr1-11240546-G-C. GRCh37 (hg19) VCF-style: chr1-11300603-G-C.
Other names: c.1543C>G, p.Pro515Ala (NM_001386500.1); c.295C>G, p.Pro99Ala (NM_001386501.1); short protein forms P515A, P99A.
Identifiers: ClinVar variation 1443784 (VCV001443784.8), dbSNP rs2100910548, ClinGen allele CA338393798.

ClinVar aggregate classification (germline): Uncertain significance (1 of 4 stars; one submission).

Submission:

Labcorp Genetics (formerly Invitae), Labcorp
Classification: Uncertain significance. Last evaluated: 2023-07-17. Review status: criteria provided, single submitter. Criteria: Invitae Variant Classification Sherloc (09022015). Collection method: clinical testing. Allele origin: germline.
Comment: In summary, the available evidence is currently insufficient to determine the role of this variant in disease. Therefore, it has been classified as a Variant of Uncertain Significance. An algorithm developed to predict the effect of missense changes on protein structure and function (PolyPhen-2) suggests that this variant is likely to be disruptive. ClinVar contains an entry for this variant (Variation ID: 1443784). This variant has not been reported in the literature in individuals affected with MTOR-related conditions. This variant is not present in population databases (gnomAD no frequency). This sequence change replaces proline, which is neutral and non-polar, with alanine, which is neutral and non-polar, at codon 515 of the MTOR protein (p.Pro515Ala).